The following is an entry in ClinVar:

ClinVar aggregate classification (germline): Likely pathogenic (1 of 4 stars; one submission).

Submission:

GeneDx
Classification: Likely pathogenic. Last evaluated: 2017-09-11. Review status: criteria provided, single submitter. Criteria: GeneDx Variant Classification (06012015). Collection method: clinical testing. Allele origin: germline. Affected: yes.
Comment: The E803X variant in the PLEC gene has not been reported previously as a pathogenic variant nor as a benign variant, to our knowledge. This variant is predicted to cause loss of normal protein function either through protein truncation or nonsense-mediated mRNA decay. The E803X variant is not observed in large population cohorts (Lek et al., 2016; 1000 Genomes Consortium et al., 2015; Exome Variant Server). We interpret E803X as a likely pathogenic variant.

NM_201384.3(PLEC):c.2326G>T (p.Glu776Ter)

Gene: PLEC (plectin; minus strand). Cytogenetic location: 8q24.3.
Variant type: single nucleotide variant.
Coding change: c.2326G>T on transcript NM_201384.3 (MANE Select); coding-DNA position 2326, G replaced by T.
Protein change: p.Glu776Ter; replaces glutamic acid 776 with a stop codon.
Molecular consequence: nonsense.
Genome position (GRCh38, 1-based): chr8:143,930,515, C>A on the plus strand (G>T on the coding strand, the complement: PLEC is on the minus strand). VCF-style: chr8-143930515-C-A. GRCh37 (hg19) VCF-style: chr8-145004683-C-A.
Other names: c.2407G>T, p.Glu803Ter (NM_000445.5); c.2284G>T, p.Glu762Ter (NM_201378.4); c.2260G>T, p.Glu754Ter (NM_201379.3); c.2737G>T, p.Glu913Ter (NM_201380.4); c.2230G>T, p.Glu744Ter (NM_201381.3); c.2326G>T, p.Glu776Ter (NM_201382.4); c.2338G>T, p.Glu780Ter (NM_201383.3); short protein forms E744*, E754*, E762*, E776*, E780*, E803*, E913*.
Identifiers: ClinVar variation 423093 (VCV000423093.2), dbSNP rs781907409, ClinGen allele CA16618608.
Genomic context (GRCh38, chr8:143,930,515, plus strand): 5'-GCTTCAGCTGCACGACGGCCTTGGCCCGCTTGGCCAGGCCTGAGAGGTGGCCCTTGTACT[C>A]GTTCAGCTGTTCCTTCTCGTCCTGTGGGGGAGGGGCAGCATCCAGACGAGGGCCATGGAG-3'